The following is an entry in ClinVar:

ClinVar aggregate classification (germline): Uncertain significance (1 of 4 stars; one submission).

Allele frequency attached by ClinVar (database versions not stated): gnomAD exomes below 0.00001; ExAC 0.00001; gnomAD 0.00001 and 0.00002; TOPMed 0.00001.
gnomAD v4.1: 19 of 1,609,994 alleles (0.0012%); highest among the groups gnomAD compares: Non-Finnish European, 0.0015%; no homozygotes.

Submission:

Labcorp Genetics (formerly Invitae), Labcorp
Classification: Uncertain significance. Last evaluated: 2022-09-08. Review status: criteria provided, single submitter. Criteria: Invitae Variant Classification Sherloc (09022015). Collection method: clinical testing. Allele origin: germline.
Comment: In summary, the available evidence is currently insufficient to determine the role of this variant in disease. Therefore, it has been classified as a Variant of Uncertain Significance. Advanced modeling of protein sequence and biophysical properties (such as structural, functional, and spatial information, amino acid conservation, physicochemical variation, residue mobility, and thermodynamic stability) performed at Invitae indicates that this missense variant is not expected to disrupt PITPNM3 protein function. ClinVar contains an entry for this variant (Variation ID: 938305). This variant has not been reported in the literature in individuals affected with PITPNM3-related conditions. This variant is present in population databases (rs754049543, gnomAD 0.0009%). This sequence change replaces glutamic acid, which is acidic and polar, with lysine, which is basic and polar, at codon 114 of the PITPNM3 protein (p.Glu114Lys).

NM_031220.4(PITPNM3):c.340G>A (p.Glu114Lys)

Gene: PITPNM3 (PITPNM family member 3; minus strand). Cytogenetic location: 17p13.2.
Variant type: single nucleotide variant.
Coding change: c.340G>A on transcript NM_031220.4 (MANE Select); coding-DNA position 340, G replaced by A.
Protein change: p.Glu114Lys; replaces glutamic acid 114 with lysine.
Molecular consequence: missense variant.
Genome position (GRCh38, 1-based): chr17:6,484,227, C>T on the plus strand (G>A on the coding strand, the complement: PITPNM3 is on the minus strand). VCF-style: chr17-6484227-C-T. GRCh37 (hg19) VCF-style: chr17-6387547-C-T.
Other names: c.232G>A, p.Glu78Lys (NM_001165966.2); short protein forms E78K, E114K.
Identifiers: ClinVar variation 938305 (VCV000938305.9), dbSNP rs754049543, ClinGen allele CA8329868.
Genomic context (GRCh38, chr17:6,484,227, plus strand): 5'-AATCCTGGCCTCTGAGTTGAGCCCAGACACCCTCCGAAGCCCAGCCTACCTCGCTGTCTT[C>T]GTGGATCTCGATGCTTCCCTGGGCTGGGAACCTCTGTCTTCTCAAGGAAACCCGGTACAG-3'
Protein context (NP_112497.2, residues 104-124): FPAQGSIEIH[Glu114Lys]DSEEGCPQRS